The following is an entry in ClinVar:

NM_000057.4(BLM):c.3346G>C (p.Asp1116His)

Gene: BLM (BLM RecQ like helicase; plus strand). Cytogenetic location: 15q26.1.
Variant type: single nucleotide variant.
Coding change: c.3346G>C on transcript NM_000057.4 (MANE Select); coding-DNA position 3346, G replaced by C.
Protein change: p.Asp1116His; replaces aspartic acid 1116 with histidine.
Molecular consequence: missense variant.
Genome position (GRCh38, 1-based): chr15:90,798,325, G>C. VCF-style: chr15-90798325-G-C. GRCh37 (hg19) VCF-style: chr15-91341555-G-C.
Other names: c.3346G>C, p.Asp1116His (NM_001287246.2, NM_001287247.2); c.2221G>C, p.Asp741His (NM_001287248.2); short protein forms D1116H, D741H.
Identifiers: ClinVar variation 405290 (VCV000405290.3), dbSNP rs936749145, ClinGen allele CA16614973.

ClinVar aggregate classification (germline): Uncertain significance (1 of 4 stars; one submission).

Conditions:
Bloom syndrome (BLM). Also called: Bloom-Torre-Machacek syndrome. Identifiers: Orphanet 125, MedGen C0005859, MONDO:0008876, OMIM 210900.

Submission:

Labcorp Genetics (formerly Invitae), Labcorp
Classification: Uncertain significance for Bloom syndrome. Last evaluated: 2025-05-14. Review status: criteria provided, single submitter. Criteria: Invitae Variant Classification Sherloc (09022015). Collection method: clinical testing. Allele origin: germline.
Comment: This sequence change replaces aspartic acid, which is acidic and polar, with histidine, which is basic and polar, at codon 1116 of the BLM protein (p.Asp1116His). This variant is not present in population databases (gnomAD no frequency). This variant has not been reported in the literature in individuals affected with BLM-related conditions. ClinVar contains an entry for this variant (Variation ID: 405290). Invitae Evidence Modeling of protein sequence and biophysical properties (such as structural, functional, and spatial information, amino acid conservation, physicochemical variation, residue mobility, and thermodynamic stability) indicates that this missense variant is expected to disrupt BLM protein function with a positive predictive value of 80%. In summary, the available evidence is currently insufficient to determine the role of this variant in disease. Therefore, it has been classified as a Variant of Uncertain Significance.